The following is an entry in ClinVar:

ClinVar aggregate classification (germline): Uncertain significance (1 of 4 stars; one submission).

Submission:

GeneDx
Classification: Uncertain significance. Last evaluated: 2018-02-21. Review status: criteria provided, single submitter. Criteria: GeneDx Variant Classification (06012015). Collection method: clinical testing. Allele origin: germline. Affected: yes.
Comment: The K387Q variant in the GSS gene has not been reported previously as a pathogenic variant, nor as a benign variant, to our knowledge. The K387Q variant is not observed in large population cohorts (Lek et al., 2016; 1000 Genomes Consortium et al., 2015; Exome Variant Server). The K387Q variant is a semi-conservative amino acid substitution, that is conserved in mammals. In silico analysis is inconsistent in its predictions as to whether or not the variant is damaging to the protein structure/function. We interpret K387Q as a variant of uncertain significance.

NM_000178.4(GSS):c.1159A>C (p.Lys387Gln)

Gene: GSS (glutathione synthetase; minus strand). Cytogenetic location: 20q11.22.
Variant type: single nucleotide variant.
Coding change: c.1159A>C on transcript NM_000178.4 (MANE Select); coding-DNA position 1159, A replaced by C.
Protein change: p.Lys387Gln; replaces lysine 387 with glutamine.
Molecular consequence: missense variant.
Genome position (GRCh38, 1-based): chr20:34,929,543, T>G on the plus strand (A>C on the coding strand, the complement: GSS is on the minus strand). VCF-style: chr20-34929543-T-G. GRCh37 (hg19) VCF-style: chr20-33517346-T-G.
Other names: c.1159A>C, p.Lys387Gln (LRG_1168t1, NM_001322494.1, NM_001322495.1); short protein forms K387Q.
Identifiers: ClinVar variation 424539 (VCV000424539.2), dbSNP rs1064797029, ClinGen allele CA16620927.